The following is an entry in ClinVar:

ClinVar aggregate classification (germline): Conflicting classifications of pathogenicity. Review status: criteria provided, conflicting classifications (1 of 4 stars). 5 submissions from 5 submitters: Uncertain significance (4); Likely benign (1). Last evaluated 2026-01-20.

Conditions:
Hereditary cancer-predisposing syndrome. Also called: Neoplastic Syndromes, Hereditary; Hereditary Cancer Syndrome; Hereditary neoplastic syndrome; Tumor predisposition. Identifiers: Orphanet 140162, MedGen C0027672, MeSH D009386, MONDO:0015356.
Colorectal cancer, susceptibility to, 12 (CRCS12). Also called: COLORECTAL CANCER, SUSCEPTIBILITY TO, ON CHROMOSOME 12q24. Identifiers: Orphanet 220460, MedGen C3554460, MONDO:0014038, OMIM 615083.

Allele frequency attached by ClinVar (database versions not stated): gnomAD exomes below 0.00001; gnomAD 0.00001; TOPMed 0.00001.
gnomAD v4.1: 1 of 1,588,918 alleles (0.000063%); highest among the groups gnomAD compares: African/African-American, 0.0014%; no homozygotes.

Submissions (5):

Labcorp Genetics (formerly Invitae), Labcorp
Classification: Uncertain significance. Last evaluated: 2026-01-20. Review status: criteria provided, single submitter. Criteria: Invitae Variant Classification Sherloc (09022015). Collection method: clinical testing. Allele origin: germline.
Comment: This sequence change replaces tyrosine, which is neutral and polar, with histidine, which is basic and polar, at codon 718 of the POLE protein (p.Tyr718His). This variant is present in population databases (no rsID available, gnomAD 0.007%). This variant has not been reported in the literature in individuals affected with POLE-related conditions. ClinVar contains an entry for this variant (Variation ID: 540817). Invitae Evidence Modeling of protein sequence and biophysical properties (such as structural, functional, and spatial information, amino acid conservation, physicochemical variation, residue mobility, and thermodynamic stability) indicates that this missense variant is not expected to disrupt POLE protein function with a negative predictive value of 80%. In summary, the available evidence is currently insufficient to determine the role of this variant in disease. Therefore, it has been classified as a Variant of Uncertain Significance.

Ambry Genetics
Classification: Likely benign for Hereditary cancer-predisposing syndrome. Last evaluated: 2025-01-21. Review status: criteria provided, single submitter. Criteria: Ambry Variant Classification Scheme 2023. Collection method: clinical testing. Allele origin: germline.

Institute for Genomic Medicine (IGM) Clinical Laboratory, Nationwide Children's Hospital
Classification: Uncertain significance for Colorectal cancer, susceptibility to, 12. Last evaluated: 2024-11-20. Review status: criteria provided, single submitter. Criteria: ACMG Guidelines, 2015. Collection method: clinical testing. Allele origin: germline.
Comment: This variant is absent from or present at an exceedingly low frequency in gnomAD, a large-scale control population database (ACMG/AMP: PM2). This variant is predicted to be tolerated by multiple in silico tools (ACMG/AMP: BP4).

GeneDx
Classification: Uncertain significance. Last evaluated: 2024-03-27. Review status: criteria provided, single submitter. Criteria: GeneDx Variant Classification Process June 2021. Collection method: clinical testing. Allele origin: germline. Affected: yes.
Comment: Not observed at significant frequency in large population cohorts (gnomAD); In silico analysis supports that this missense variant has a deleterious effect on protein structure/function; Has not been previously published as pathogenic or benign to our knowledge; This variant is associated with the following publications: (PMID: 20951805)

Quest Diagnostics Nichols Institute San Juan Capistrano
Classification: Uncertain significance. Last evaluated: 2020-12-14. Review status: criteria provided, single submitter. Criteria: Quest Diagnostics criteria. Collection method: clinical testing. Allele origin: unknown.

NM_006231.4(POLE):c.2152T>C (p.Tyr718His)

Gene: POLE (DNA polymerase epsilon, catalytic subunit; minus strand). Cytogenetic location: 12q24.33.
Variant type: single nucleotide variant.
Coding change: c.2152T>C on transcript NM_006231.4 (MANE Select); coding-DNA position 2152, T replaced by C.
Protein change: p.Tyr718His; replaces tyrosine 718 with histidine.
Molecular consequence: missense variant.
Genome position (GRCh38, 1-based): chr12:132,668,377, A>G on the plus strand (T>C on the coding strand, the complement: POLE is on the minus strand). VCF-style: chr12-132668377-A-G. GRCh37 (hg19) VCF-style: chr12-133244963-A-G.
Other names: short protein forms Y718H.
Identifiers: ClinVar variation 540817 (VCV000540817.15), dbSNP rs1267528399, ClinGen allele CA387353628.